The following is an entry in ClinVar:

ClinVar aggregate classification (germline): Uncertain significance (1 of 4 stars; one submission).

Allele frequency attached by ClinVar (database versions not stated): gnomAD exomes below 0.00001; gnomAD 0.00001.

Submission:

GeneDx
Classification: Uncertain significance. Last evaluated: 2021-04-13. Review status: criteria provided, single submitter. Criteria: GeneDx Variant Classification Process June 2021. Collection method: clinical testing. Allele origin: germline. Affected: yes.
Comment: Not observed at a significant frequency in large population cohorts (Lek et al., 2016); In silico analysis supports that this missense variant does not alter protein structure/function; Has not been previously published as pathogenic or benign to our knowledge

NM_014918.5(CHSY1):c.218C>T (p.Pro73Leu)

Genes: CHSY1 (chondroitin sulfate synthase 1; minus strand), LOC130058068 (ATAC-STARR-seq lymphoblastoid silent region 6885; plus strand). Cytogenetic location: 15q26.3.
Variant type: single nucleotide variant.
Coding change: c.218C>T on transcript NM_014918.5 (MANE Select); coding-DNA position 218, C replaced by T.
Protein change: p.Pro73Leu; replaces proline 73 with leucine.
Molecular consequence: missense variant.
Genome position (GRCh38, 1-based): chr15:101,251,239, G>A on the plus strand (C>T on the coding strand, the complement: CHSY1 is on the minus strand). VCF-style: chr15-101251239-G-A. GRCh37 (hg19) VCF-style: chr15-101791444-G-A.
Other names: short protein forms P73L.
Identifiers: ClinVar variation 1317158 (VCV001317158.2), dbSNP rs1352240092, ClinGen allele CA393971226.
Genomic context (GRCh38, chr15:101,251,239, plus strand): 5'-GTCATGACTCCCACGAAGAGAAAGTTCCTGTCGCGCGGGCCGCCATCTGGGTCCGAGCCG[G>A]GCGGCCAGAGCTGCGCCCCGCGCGCATCGCCGCGCGCCCCGCCGGCCTGGGAAGCCGCCG-3'
Protein context (NP_055733.2, residues 63-83): GDARGAQLWP[Pro73Leu]GSDPDGGPRD